The following is an entry in ClinVar:

NM_001098816.3(TENM4):c.1372A>G (p.Ile458Val)

Gene: TENM4 (teneurin transmembrane protein 4; minus strand). Cytogenetic location: 11q14.1.
Variant type: single nucleotide variant.
Coding change: c.1372A>G on transcript NM_001098816.3 (MANE Select); coding-DNA position 1372, A replaced by G.
Protein change: p.Ile458Val; replaces isoleucine 458 with valine.
Molecular consequence: missense variant.
Genome position (GRCh38, 1-based): chr11:78,856,062, T>C on the plus strand (A>G on the coding strand, the complement: TENM4 is on the minus strand). VCF-style: chr11-78856062-T-C. GRCh37 (hg19) VCF-style: chr11-78567107-T-C.
Other names: p.Ile458Val; short protein forms I458V.
Identifiers: ClinVar variation 4182513 (VCV004182513.2).
Genomic context (GRCh38, chr11:78,856,062, plus strand): 5'-TGCCAACCAGGGCTGCCTTTCCCAGAGACACATTGAATTTCAGATGCACAGGATGGTCTA[T>C]GAACACTTGAGATCTCCAGAAAGTGCCAGGAGGAATCTTCTGGGAAGCTCGCCTTCCCAC-3'
Protein context (NP_001092286.2, residues 448-468): PGTFWRSQVF[Ile458Val]DHPVHLKFNV

ClinVar aggregate classification (germline): Uncertain significance. Review status: criteria provided, multiple submitters, no conflicts (2 of 4 stars). 2 submissions from 2 submitters: Uncertain significance (2). Last evaluated 2025-08-20.

gnomAD v4.1: 245 of 1,551,732 alleles (0.016%); highest among the groups gnomAD compares: African/African-American, 0.3%; no homozygotes.

Submissions (2):

Ambry Genetics
Classification: Uncertain significance. Last evaluated: 2025-08-20. Review status: criteria provided, single submitter. Criteria: Ambry Variant Classification Scheme 2023. Collection method: clinical testing. Allele origin: germline.

Mayo Clinic Laboratories, Mayo Clinic
Classification: Uncertain significance. Last evaluated: 2025-06-04. Review status: criteria provided, single submitter. Criteria: ACMG Guidelines, 2015. Collection method: clinical testing. Allele origin: germline. Observed: 1 variant allele.
Comment: BP4_moderate